The following is an entry in ClinVar:

ClinVar aggregate classification (germline): Uncertain significance (1 of 4 stars; one submission).

Allele frequency attached by ClinVar (database versions not stated): gnomAD 0.00001; ExAC 0.00001; TOPMed 0.00002.
gnomAD v4.1: 22 of 1,614,014 alleles (0.0014%); highest among the groups gnomAD compares: African/African-American, 0.0027%; no homozygotes.

Submission:

Labcorp Genetics (formerly Invitae), Labcorp
Classification: Uncertain significance. Last evaluated: 2025-10-06. Review status: criteria provided, single submitter. Criteria: Invitae Variant Classification Sherloc (09022015). Collection method: clinical testing. Allele origin: germline.
Comment: This sequence change replaces proline, which is neutral and non-polar, with leucine, which is neutral and non-polar, at codon 1878 of the ARID1A protein (p.Pro1878Leu). This variant is present in population databases (rs758044018, gnomAD 0.01%). This variant has not been reported in the literature in individuals affected with ARID1A-related conditions. ClinVar contains an entry for this variant (Variation ID: 3017975). Invitae Evidence Modeling of protein sequence and biophysical properties (such as structural, functional, and spatial information, amino acid conservation, physicochemical variation, residue mobility, and thermodynamic stability) indicates that this missense variant is not expected to disrupt ARID1A protein function with a negative predictive value of 80%. In summary, the available evidence is currently insufficient to determine the role of this variant in disease. Therefore, it has been classified as a Variant of Uncertain Significance.

NM_006015.6(ARID1A):c.5633C>T (p.Pro1878Leu)

Gene: ARID1A (AT-rich interaction domain 1A; plus strand). Cytogenetic location: 1p36.11.
Variant type: single nucleotide variant.
Coding change: c.5633C>T on transcript NM_006015.6 (MANE Select); coding-DNA position 5633, C replaced by T.
Protein change: p.Pro1878Leu; replaces proline 1878 with leucine.
Molecular consequence: missense variant.
Genome position (GRCh38, 1-based): chr1:26,779,531, C>T. VCF-style: chr1-26779531-C-T. GRCh37 (hg19) VCF-style: chr1-27106022-C-T.
Other names: c.4982C>T, p.Pro1661Leu (NM_139135.4); short protein forms P1661L, P1878L.
Identifiers: ClinVar variation 3017975 (VCV003017975.3), dbSNP rs758044018, ClinGen allele CA707732.